The following is an entry in ClinVar:

NM_001009944.3(PKD1):c.9505C>T (p.Arg3169Trp)

Gene: PKD1 (polycystin 1, transient receptor potential channel interacting; minus strand). Cytogenetic location: 16p13.3.
Variant type: single nucleotide variant.
Coding change: c.9505C>T on transcript NM_001009944.3 (MANE Select); coding-DNA position 9505, C replaced by T.
Protein change: p.Arg3169Trp; replaces arginine 3169 with tryptophan.
Molecular consequence: missense variant.
Genome position (GRCh38, 1-based): chr16:2,100,459, G>A on the plus strand (C>T on the coding strand, the complement: PKD1 is on the minus strand). VCF-style: chr16-2100459-G-A. GRCh37 (hg19) VCF-style: chr16-2150460-G-A.
Other names: c.9505C>T, p.Arg3169Trp (NM_000296.4); short protein forms R3169W.
Identifiers: ClinVar variation 3068584 (VCV003068584.2), dbSNP rs765180455, ClinGen allele CA7830068.

ClinVar aggregate classification (germline): Uncertain significance. Review status: criteria provided, multiple submitters, no conflicts (2 of 4 stars). 3 submissions from 3 submitters: Uncertain significance (3). Last evaluated 2025-11-07.

Conditions:
Connective tissue disorder. Also called: Connective tissue disease. Identifiers: MedGen C0009782, MONDO:0003900.
Polycystic kidney disease, adult type (PKD1). Also called: Polycystic Kidney, Autosomal Dominant; POLYCYSTIC KIDNEY DISEASE 1 WITH OR WITHOUT POLYCYSTIC LIVER DISEASE; Polycystic Kidney Disease 1, Autosomal Dominant; Polycystic kidney disease 1; Polycystic kidney disease 1, severe; POLYCYSTIC KIDNEY DISEASE, ADULT, TYPE I. Identifiers: MedGen C3149841, MONDO:0008263, OMIM 173900.
Autosomal dominant polycystic kidney disease. Identifiers: Orphanet 730, MedGen C0085413, MONDO:0004691.

Allele frequency attached by ClinVar (database versions not stated): gnomAD 0.00001; ExAC 0.00002; gnomAD exomes 0.00003; TOPMed 0.00003.
gnomAD v4.1: 44 of 1,610,830 alleles (0.0027%); highest among the groups gnomAD compares: East Asian, 0.0067%; no homozygotes.

Submissions (3):

Petrovsky National Research Centre of Surgery, The Federal Agency for Scientific Organizations
Classification: Uncertain significance for Connective tissue disorder. Last evaluated: 2025-11-07. Review status: criteria provided, single submitter. Criteria: ACMG Guidelines, 2015. Collection method: research. Allele origin: unknown. Inheritance: Autosomal dominant inheritance. Affected: yes.
Comment: Clinvar (VCV003068584.2) contains 2 entries for this variant. This variant has been reported at least in two probands with polycystic kidney disease (Fujimaru T, 2024 PMID: 39291187; Ali H, 2022 PMID: 36755831) as well as in people without PKD (Kars M.E., 2021). Variant NM_001009944.3:c.9505C>T (p.Arg3169Trp) is in The Genome Aggregation Database (gnomAD) v4.1.0 with total MAF=0.00002732 (Date of access 05-11-2025). Computational evidence suggests no impact on gene or gene product: REVEL score=0.03<0.4 (BP4).

Molecular Genetics, Royal Melbourne Hospital
Classification: Uncertain significance for Autosomal dominant polycystic kidney disease. Last evaluated: 2023-03-30. Review status: criteria provided, single submitter. Criteria: ACMG Guidelines, 2015. Collection method: clinical testing. Allele origin: germline. Affected: yes.
Comment: This sequence change in PKD1 is predicted to replace arginine with tryptophan at codon 3169, p.(Arg3169Trp). The arginine residue is weakly conserved (9/97 vertebrates, UCSC), and is located within the cytoplasmic loop of the PLAT/LH2 predicted transmembrane domain. There is a large physicochemical difference between arginine and tryptophan. The highest population minor allele frequency in the population database gnomAD v2.1 is 0.011% (4/35,414 alleles) in the Latino/Admixed American population, which is inconsistent with autosomal dominant polycystic kidney disease (ADPKD). This variant has been reported in at least one proband with radiologically-diagnosed sporadic ADPKD (>10 cysts in each kidney; PMID 29520754). Multiple lines of computational evidence have conflicting predictions for the missense substitution (2/6 algorithms predict a deleterious effect). Based on the classification scheme RMH Modified ACMG Guidelines v1.5.1, this variant is classified as a VARIANT OF UNCERTAIN SIGNIFICANCE. Following criteria are met: none.

Department of Pathology and Laboratory Medicine, Sinai Health System
Classification: Uncertain significance for Polycystic kidney disease, adult type. Last evaluated: 2021-05-11. Review status: criteria provided, single submitter. Criteria: ACMG Guidelines, 2015. Collection method: clinical testing. Allele origin: germline. Affected: yes.

Literature cited by the submitters: PubMed 39291187 (cited by Petrovsky National Research Centre of Surgery, The Federal Agency for Scientific Organizations); PubMed 36755831 (cited by Petrovsky National Research Centre of Surgery, The Federal Agency for Scientific Organizations); PubMed 29520754 (cited by Molecular Genetics, Royal Melbourne Hospital).